The following is an entry in ClinVar:

NM_207352.4(CYP4V2):c.-146C>T

Genes: CYP4V2 (cytochrome P450 family 4 subfamily V member 2; plus strand), LOC129993526 (ATAC-STARR-seq lymphoblastoid silent region 15858; plus strand). Cytogenetic location: 4q35.1.
Variant type: single nucleotide variant.
Coding change: c.-146C>T on transcript NM_207352.4 (MANE Select); 146 bases upstream of the start codon, C replaced by T.
Molecular consequence: 5 prime UTR variant.
Genome position (GRCh38, 1-based): chr4:186,191,678, C>T. VCF-style: chr4-186191678-C-T. GRCh37 (hg19) VCF-style: chr4-187112832-C-T.
Identifiers: ClinVar variation 348292 (VCV000348292.7), dbSNP rs1398007, ClinGen allele CA10620602.

ClinVar aggregate classification (germline): Benign. Review status: criteria provided, multiple submitters, no conflicts (2 of 4 stars). 4 submissions from 3 submitters: Benign (4). Last evaluated 2021-05-11.

Conditions:
Bietti crystalline corneoretinal dystrophy (BCD). Also called: Bietti Crystalline Dystrophy; BIETTI TAPETORETINAL DEGENERATION WITH MARGINAL CORNEAL DYSTROPHY. Identifiers: Orphanet 41751, MedGen C1859486, MONDO:0008865, OMIM 210370.
Corneal dystrophy. Identifiers: Orphanet 34533, MedGen C0010036, MONDO:0018102, HP:0001131.

Allele frequency attached by ClinVar (database versions not stated): 1000 Genomes Project 0.35583; 1000 Genomes Project 30x 0.35853; TOPMed 0.40195; gnomAD 0.41515 and 0.41622; gnomAD exomes 0.48005.

Submissions (4):

GeneDx
Classification: Benign. Last evaluated: 2021-05-11. Review status: criteria provided, single submitter. Criteria: GeneDx Variant Classification Process June 2021. Collection method: clinical testing. Allele origin: germline. Affected: yes.

Illumina Laboratory Services, Illumina
Classification: Benign for Corneal dystrophy. Last evaluated: 2018-01-12. Review status: criteria provided, single submitter. Criteria: ICSL Variant Classification Criteria 13 December 2019. Collection method: clinical testing. Allele origin: germline.
Comment: This variant was observed in the ICSL laboratory as part of a predisposition screen in an ostensibly healthy population. It had not been previously curated by ICSL or reported in the Human Gene Mutation Database (HGMD: prior to June 1st, 2018), and was therefore a candidate for classification through an automated scoring system. Utilizing variant allele frequency, disease prevalence and penetrance estimates, and inheritance mode, an automated score was calculated to assess if this variant is too frequent to cause the disease. Based on the score and internal cut-off values, a variant classified as benign is not then subjected to further curation. The score for this variant resulted in a classification of benign for this disease.

Illumina Laboratory Services, Illumina
Classification: Benign for Bietti crystalline corneoretinal dystrophy. Last evaluated: 2018-01-12. Review status: criteria provided, single submitter. Criteria: ICSL Variant Classification Criteria 13 December 2019. Collection method: clinical testing. Allele origin: germline.
Comment: the same text as in the submission from Illumina Laboratory Services, Illumina above.

Breakthrough Genomics
Classification: Benign. Review status: criteria provided, single submitter. Criteria: ACMG Guidelines, 2015. Collection method: not provided. Allele origin: germline. Inheritance: Autosomal recessive inheritance. Affected: yes.